The following is an entry in ClinVar:

ClinVar aggregate classification (germline): Likely benign (1 of 4 stars; one submission).

Allele frequency attached by ClinVar (database versions not stated): TOPMed 0.00001; ExAC 0.00002; gnomAD 0.00002; 1000 Genomes Project 30x 0.00031; 1000 Genomes Project 0.00040.

Submission:

CeGaT Center for Human Genetics Tuebingen
Classification: Likely benign. Last evaluated: 2022-09-01. Review status: criteria provided, single submitter. Criteria: CeGaT Center For Human Genetics Tuebingen Variant Classification Criteria Version 2. Collection method: clinical testing. Allele origin: germline. Affected: yes. Observed: 1 variant allele.
Comment: MUC16: BP4, BP7

NM_001401501.2(MUC16):c.44301A>G (p.Pro14767=)

Gene: MUC16 (mucin 16, cell surface associated; minus strand). Cytogenetic location: 19p13.2.
Variant type: single nucleotide variant.
Coding change: c.44301A>G on transcript NM_001401501.2 (MANE Select); coding-DNA position 44301, A replaced by G.
Protein change: p.Pro14767=; no amino-acid change (proline 14767 retained).
Molecular consequence: synonymous variant.
Genome position (GRCh38, 1-based): chr19:8,876,636, T>C on the plus strand (A>G on the coding strand, the complement: MUC16 is on the minus strand). VCF-style: chr19-8876636-T-C. GRCh37 (hg19) VCF-style: chr19-8987312-T-C.
Other names: c.44727A>G, p.Pro14909= (NM_001414686.1); c.44181A>G, p.Pro14727= (NM_001414687.1); c.41775A>G, p.Pro13925= (NM_024690.2).
Identifiers: ClinVar variation 2649219 (VCV002649219.24), dbSNP rs574813121, ClinGen allele CA9162629.